The following is an entry in ClinVar:

NM_001205254.2(OCLN):c.51-12T>C

Gene: OCLN (occludin; plus strand). Cytogenetic location: 5q13.2.
Variant type: single nucleotide variant.
Coding change: c.51-12T>C on transcript NM_001205254.2 (MANE Select); 12 bases into the intron before coding-DNA position 51, T replaced by C.
Molecular consequence: intron variant.
Genome position (GRCh38, 1-based): chr5:69,509,129, T>C. VCF-style: chr5-69509129-T-C. GRCh37 (hg19) VCF-style: chr5-68804956-T-C.
Other names: c.51-12T>C (NM_001438604.1, NM_002538.4, NM_001410743.1 and 1 more transcripts); c.-24-4819T>C (NM_001205255.2).
Identifiers: ClinVar variation 1631125 (VCV001631125.9), dbSNP rs898963712, ClinGen allele CA120712468.

ClinVar aggregate classification (germline): Conflicting classifications of pathogenicity. Review status: criteria provided, conflicting classifications (1 of 4 stars). 2 submissions from 2 submitters: Uncertain significance (1); Likely benign (1). Last evaluated 2024-05-18.

Allele frequency attached by ClinVar (database versions not stated): gnomAD exomes 0.00001; gnomAD 0.00006 and 0.00007; TOPMed 0.00020.
gnomAD v4.1: 29 of 1,609,290 alleles (0.0018%); highest among the groups gnomAD compares: Admixed American, 0.025%; no homozygotes.

Submissions (2):

GeneDx
Classification: Uncertain significance. Last evaluated: 2024-05-18. Review status: criteria provided, single submitter. Criteria: GeneDx Variant Classification Process June 2021. Collection method: clinical testing. Allele origin: germline. Affected: yes.
Comment: Not observed at significant frequency in large population cohorts (gnomAD); In silico analysis indicates that this variant does not alter splicing; Has not been previously published as pathogenic or benign to our knowledge

Labcorp Genetics (formerly Invitae), Labcorp
Classification: Likely benign. Last evaluated: 2022-08-22. Review status: criteria provided, single submitter. Criteria: Invitae Variant Classification Sherloc (09022015). Collection method: clinical testing. Allele origin: germline.